The following is an entry in ClinVar:

ClinVar aggregate classification (germline): Uncertain significance (1 of 4 stars; one submission).

Allele frequency attached by ClinVar (database versions not stated): gnomAD exomes below 0.00001.
gnomAD v4.1: 1 of 1,613,466 alleles (0.000062%); highest among the groups gnomAD compares: Non-Finnish European, 0.000085%; no homozygotes.

Submission:

Labcorp Genetics (formerly Invitae), Labcorp
Classification: Uncertain significance. Last evaluated: 2022-07-31. Review status: criteria provided, single submitter. Criteria: Invitae Variant Classification Sherloc (09022015). Collection method: clinical testing. Allele origin: germline.
Comment: This variant has not been reported in the literature in individuals affected with ECHS1-related conditions. Advanced modeling of protein sequence and biophysical properties (such as structural, functional, and spatial information, amino acid conservation, physicochemical variation, residue mobility, and thermodynamic stability) performed at Invitae indicates that this missense variant is expected to disrupt ECHS1 protein function. In summary, the available evidence is currently insufficient to determine the role of this variant in disease. Therefore, it has been classified as a Variant of Uncertain Significance. This variant is not present in population databases (gnomAD no frequency). This sequence change replaces glutamic acid, which is acidic and polar, with lysine, which is basic and polar, at codon 249 of the ECHS1 protein (p.Glu249Lys).

NM_004092.4(ECHS1):c.745G>A (p.Glu249Lys)

Gene: ECHS1 (enoyl-CoA hydratase, short chain 1; minus strand). Cytogenetic location: 10q26.3.
Variant type: single nucleotide variant.
Coding change: c.745G>A on transcript NM_004092.4 (MANE Select); coding-DNA position 745, G replaced by A.
Protein change: p.Glu249Lys; replaces glutamic acid 249 with lysine.
Molecular consequence: missense variant.
Genome position (GRCh38, 1-based): chr10:133,364,720, C>T on the plus strand (G>A on the coding strand, the complement: ECHS1 is on the minus strand). VCF-style: chr10-133364720-C-T. GRCh37 (hg19) VCF-style: chr10-135178224-C-T.
Other names: short protein forms E249K.
Identifiers: ClinVar variation 1722310 (VCV001722310.5), dbSNP rs2493835791, ClinGen allele CA378817925.